The following is an entry in ClinVar:

ClinVar aggregate classification (germline): Uncertain significance (1 of 4 stars; one submission).

Submission:

Ambry Genetics
Classification: Uncertain significance. Last evaluated: 2022-11-10. Review status: criteria provided, single submitter. Criteria: Ambry Variant Classification Scheme 2023. Collection method: clinical testing. Allele origin: germline.
Comment: The p.S1639C variant (also known as c.4915A>T), located in coding exon 16 of the POLQ gene, results from an A to T substitution at nucleotide position 4915. The serine at codon 1639 is replaced by cysteine, an amino acid with dissimilar properties. This amino acid position is conserved. In addition, the in silico prediction for this alteration is inconclusive. Since supporting evidence is limited at this time, the clinical significance of this alteration remains unclear.

NM_199420.4(POLQ):c.4915A>T (p.Ser1639Cys)

Gene: POLQ (DNA polymerase theta; minus strand). Cytogenetic location: 3q13.33.
Variant type: single nucleotide variant.
Coding change: c.4915A>T on transcript NM_199420.4 (MANE Select); coding-DNA position 4915, A replaced by T.
Protein change: p.Ser1639Cys; replaces serine 1639 with cysteine.
Molecular consequence: missense variant.
Genome position (GRCh38, 1-based): chr3:121,488,016, T>A on the plus strand (A>T on the coding strand, the complement: POLQ is on the minus strand). VCF-style: chr3-121488016-T-A. GRCh37 (hg19) VCF-style: chr3-121206863-T-A.
Other names: short protein forms S1639C.
Identifiers: ClinVar variation 2448905 (VCV002448905.2), dbSNP rs2546785372, ClinGen allele CA354093230.